The following is an entry in ClinVar:

NM_177550.5(SLC13A5):c.1273G>A (p.Glu425Lys)

Gene: SLC13A5 (solute carrier family 13 member 5; minus strand). Cytogenetic location: 17p13.1.
Variant type: single nucleotide variant.
Coding change: c.1273G>A on transcript NM_177550.5 (MANE Select); coding-DNA position 1273, G replaced by A.
Protein change: p.Glu425Lys; replaces glutamic acid 425 with lysine.
Molecular consequence: missense variant.
Genome position (GRCh38, 1-based): chr17:6,693,046, C>T on the plus strand (G>A on the coding strand, the complement: SLC13A5 is on the minus strand). VCF-style: chr17-6693046-C-T. GRCh37 (hg19) VCF-style: chr17-6596365-C-T.
Other names: c.1273G>A, p.Glu425Lys (NM_001143838.3); c.1222G>A, p.Glu408Lys (NM_001284509.2); c.1144G>A, p.Glu382Lys (NM_001284510.2); short protein forms E408K, E425K, E382K.
Identifiers: ClinVar variation 651550 (VCV000651550.7), dbSNP rs754804579, ClinGen allele CA8331447.

ClinVar aggregate classification (germline): Uncertain significance. Review status: criteria provided, multiple submitters, no conflicts (2 of 4 stars). 2 submissions from 2 submitters: Uncertain significance (2). Last evaluated 2021-08-24.

Conditions:
Developmental and epileptic encephalopathy, 25 (DEE25). Also called: Epileptic encephalopathy, early infantile, 25; Developmental and epileptic encephalopathy 25, with amelogenesis imperfecta; Epileptic encephalopathy, early infantile, 25, with amelogenesis imperfecta. Identifiers: Orphanet 442835, MedGen C4014621, MONDO:0014392, OMIM 615905.

Allele frequency attached by ClinVar (database versions not stated): ExAC 0.00001; gnomAD 0.00001; TOPMed 0.00001.
gnomAD v4.1: 55 of 1,613,704 alleles (0.0034%); highest among the groups gnomAD compares: East Asian, 0.0045%; no homozygotes.

Submissions (2):

Labcorp Genetics (formerly Invitae), Labcorp
Classification: Uncertain significance for Developmental and epileptic encephalopathy, 25. Last evaluated: 2021-08-24. Review status: criteria provided, single submitter. Criteria: Invitae Variant Classification Sherloc (09022015). Collection method: clinical testing. Allele origin: germline.
Comment: This sequence change replaces glutamic acid with lysine at codon 425 of the SLC13A5 protein (p.Glu425Lys). The glutamic acid residue is moderately conserved and there is a small physicochemical difference between glutamic acid and lysine. This variant is present in population databases (rs754804579, ExAC 0.01%). This variant has not been reported in the literature in individuals affected with SLC13A5-related conditions. ClinVar contains an entry for this variant (Variation ID: 651550). Algorithms developed to predict the effect of missense changes on protein structure and function (SIFT, PolyPhen-2, Align-GVGD) all suggest that this variant is likely to be tolerated. In summary, the available evidence is currently insufficient to determine the role of this variant in disease. Therefore, it has been classified as a Variant of Uncertain Significance.

Blueprint Genetics
Classification: Uncertain significance. Last evaluated: 2021-05-26. Review status: criteria provided, single submitter. Criteria: ACMG Guidelines, 2015. Collection method: clinical testing. Allele origin: germline.